The following is an entry in ClinVar:

ClinVar aggregate classification (germline): Uncertain significance (1 of 4 stars; one submission).

Submission:

CeGaT Center for Human Genetics Tuebingen
Classification: Uncertain significance. Last evaluated: 2024-10-01. Review status: criteria provided, single submitter. Criteria: CeGaT Center For Human Genetics Tuebingen Variant Classification Criteria Version 2. Collection method: clinical testing. Allele origin: germline. Affected: yes. Observed: 1 variant allele.
Comment: EFTUD2: PP3

NM_004247.4(EFTUD2):c.1315C>T (p.Pro439Ser)

Gene: EFTUD2 (elongation factor Tu GTP binding domain containing 2; minus strand). Cytogenetic location: 17q21.31.
Variant type: single nucleotide variant.
Coding change: c.1315C>T on transcript NM_004247.4 (MANE Select); coding-DNA position 1315, C replaced by T.
Protein change: p.Pro439Ser; replaces proline 439 with serine.
Molecular consequence: missense variant.
Genome position (GRCh38, 1-based): chr17:44,863,753, G>A on the plus strand (C>T on the coding strand, the complement: EFTUD2 is on the minus strand). VCF-style: chr17-44863753-G-A. GRCh37 (hg19) VCF-style: chr17-42941121-G-A.
Other names: c.1315C>T, p.Pro439Ser (NM_001258353.2); c.1285C>T, p.Pro429Ser (NM_001258354.2); c.1210C>T, p.Pro404Ser (NM_001142605.2); short protein forms P404S, P429S, P439S.
Identifiers: ClinVar variation 3390028 (VCV003390028.14).